The following is an entry in ClinVar:

NC_000002.11:g.(?_169779448)_(169887834_?)dup

Gene: ABCB11 (ATP binding cassette subfamily B member 11; minus strand). Cytogenetic location: 2q31.1.
Variant type: Duplication.
Identifiers: ClinVar variation 1677122 (VCV001677122.1).

ClinVar aggregate classification (germline): Uncertain significance (1 of 4 stars; one submission).

Submission:

Women's Health and Genetics/Laboratory Corporation of America, LabCorp
Classification: Uncertain significance. Last evaluated: 2022-03-16. Review status: criteria provided, single submitter. Criteria: LabCorp Variant Classification Summary - May 2015. Collection method: clinical testing. Allele origin: germline.
Comment: Variant summary: The variant identified by MLPA or other technology involves the duplication of exons 1-28 in the ABCB11 gene (whole gene duplication). A presumed nomenclature of c.(?_-127)_(*684_?)dup has been designated for the purposes of this classification. It has been assumed that this is a tandem duplication in direct orientation (Richardson_GIM_2018, Newman_AJHG_2015). Although exact breakpoints of this duplication are not known, it is expected to result in a duplication of the full coding sequence of the ABCB11 gene. The variant was absent in 21694 control chromosomes (gnomAD SVs, Structural Variants dataset). The available data on variant occurrences in the general population are insufficient to allow any conclusion about variant significance. To our knowledge, no occurrence of c.(?_-127)_(*684_?)dup in individuals affected with Familial Intrahepatic Cholestasis and no experimental evidence demonstrating its impact on protein function have been reported. No clinical diagnostic laboratories have submitted clinical-significance assessments for this variant to ClinVar after 2014. Based on the evidence outlined above, the variant was classified as uncertain significance.